The following is an entry in ClinVar:

NM_152594.3(SPRED1):c.914C>A (p.Pro305His)

Gene: SPRED1 (sprouty related EVH1 domain containing 1; plus strand). Cytogenetic location: 15q14.
Variant type: single nucleotide variant.
Coding change: c.914C>A on transcript NM_152594.3 (MANE Select); coding-DNA position 914, C replaced by A.
Protein change: p.Pro305His; replaces proline 305 with histidine.
Molecular consequence: missense variant.
Genome position (GRCh38, 1-based): chr15:38,351,243, C>A. VCF-style: chr15-38351243-C-A. GRCh37 (hg19) VCF-style: chr15-38643444-C-A.
Other names: short protein forms P305H.
Identifiers: ClinVar variation 3800935 (VCV003800935.1).

ClinVar aggregate classification (germline): Uncertain significance (1 of 4 stars; one submission).

Conditions:
Cardiovascular phenotype. Identifiers: MedGen CN230736.

gnomAD v4.1: 1 of 1,613,948 alleles (0.000062%); highest among the groups gnomAD compares: African/African-American, 0.0013%; no homozygotes.

Submission:

Ambry Genetics
Classification: Uncertain significance for Cardiovascular phenotype. Last evaluated: 2025-03-05. Review status: criteria provided, single submitter. Criteria: Ambry Variant Classification Scheme 2023. Collection method: clinical testing. Allele origin: germline.
Comment: The p.P305H variant (also known as c.914C>A), located in coding exon 7 of the SPRED1 gene, results from a C to A substitution at nucleotide position 914. The proline at codon 305 is replaced by histidine, an amino acid with similar properties. This amino acid position is conserved. In addition, this alteration is predicted to be tolerated by in silico analysis. Based on the available evidence, the clinical significance of this variant remains unclear.